The following is an entry in ClinVar:

ClinVar aggregate classification (germline): Uncertain significance. Review status: criteria provided, multiple submitters, no conflicts (2 of 4 stars). 4 submissions from 4 submitters: Uncertain significance (4). Last evaluated 2026-03-06.

Conditions:
Maturity-onset diabetes of the young type 8 (MODY8). Also called: DIABETES AND PANCREATIC EXOCRINE DYSFUNCTION; DIABETES-PANCREATIC EXOCRINE DYSFUNCTION SYNDROME. Identifiers: Orphanet 552, MedGen C1853297, MONDO:0012348, OMIM 609812.

Allele frequency attached by ClinVar (database versions not stated): gnomAD exomes 0.00005 and 0.00008; ExAC 0.00008; ESP Exome Variant Server 0.00017; 1000 Genomes Project 0.00020; 1000 Genomes Project 30x 0.00031; gnomAD 0.00032 and 0.00036; TOPMed 0.00033.

Submissions (5):

Clinical Genomics Laboratory, Washington University in St. Louis
Classification: Uncertain significance for Maturity-onset diabetes of the young type 8. Last evaluated: 2026-03-06. Review status: criteria provided, single submitter. Criteria: ACMG Guidelines, 2015. Collection method: clinical testing. Allele origin: germline.
Comment: A CEL c.347G>A (p.Arg116Gln) variant was identified in a heterozygous state. This variant, to our knowledge, has not been reported in the medical literature but has been reported in the ClinVar database as a germline variant of uncertain significance by three submitters (ClinVar Variation ID: 434691). It is observed on 122/1,611,588 alleles in the general population (gnomAD v4.1.0). Computational predictors provide conflicting evidence in regards to the impact of this variant on CEL function. Due to limited information, and based on ACMG/AMP guidelines for variant interpretation (Richards S et al., PMID: 25741868), the clinical significance of this variant is uncertain at this time.

GeneDx
Classification: Uncertain significance. Last evaluated: 2023-12-15. Review status: criteria provided, single submitter. Criteria: GeneDx Variant Classification Process June 2021. Collection method: clinical testing. Allele origin: germline. Affected: yes.
Comment: In silico analysis supports a deleterious effect on splicing; In silico analysis supports that this missense variant does not alter protein structure/function; Has not been previously published as pathogenic or benign to our knowledge

Genetic Services Laboratory, University of Chicago
Classification: Uncertain significance. Last evaluated: 2016-11-15. Review status: criteria provided, single submitter. Criteria: ACMG Guidelines, 2015. Collection method: clinical testing. Allele origin: germline. Affected: no.

Breakthrough Genomics
Classification: Uncertain significance. Review status: criteria provided, single submitter. Criteria: ACMG Guidelines, 2015. Collection method: not provided. Allele origin: germline. Inheritance: Autosomal dominant inheritance. Affected: yes.

Dr. Peter K. Rogan Lab, Western University
No classification provided (evidence only). Condition: Uterine corpus endometrial carcinoma. Review status: no classification provided. Collection method: in vitro. Allele origin: not applicable. Functional consequence: retained intron. Not counted in ClinVar's aggregate classification.

NM_001807.6(CEL):c.347G>A (p.Arg116Gln)

Gene: CEL (carboxyl ester lipase; plus strand). Cytogenetic location: 9q34.13.
Variant type: single nucleotide variant.
Coding change: c.347G>A on transcript NM_001807.6 (MANE Select); coding-DNA position 347, G replaced by A.
Protein change: p.Arg116Gln; replaces arginine 116 with glutamine.
Molecular consequence: missense variant.
Genome position (GRCh38, 1-based): chr9:133,065,046, G>A. VCF-style: chr9-133065046-G-A. GRCh37 (hg19) VCF-style: chr9-135940433-G-A.
Other names: NC_000009.11:g.135940433G>A; c.356G>A (NM_001807.3); short protein forms R116Q.
Identifiers: ClinVar variation 434691 (VCV000434691.10), dbSNP rs199675811, ClinGen allele CA5302977.